The following is an entry in ClinVar:

ClinVar aggregate classification (germline): Pathogenic (1 of 4 stars; one submission).

Conditions:
Myopathy caused by variation in POMGNT1. Identifiers: MedGen CN305639, MONDO:0700068.

Submission:

Myriad Genetics, Inc.
Classification: Pathogenic for Myopathy caused by variation in POMGNT1. Last evaluated: 2024-05-13. Review status: criteria provided, single submitter. Criteria: Myriad Autosomal Dominant, Autosomal Recessive and X-Linked Classification Criteria (2023). Collection method: clinical testing. Allele origin: unknown.
Comment: NM_017739.3(POMGNT1):c.898delC(L300Sfs*33) is expected to be pathogenic in the context of POMGNT1-related disorders. This variant is predicted to lead to an abnormal or absent protein product due to the creation of a premature termination codon in POMGNT1, a gene where loss-of-function variants are known to be pathogenic. Please note: this variant was assessed in the context of healthy population screening.

NM_017739.4(POMGNT1):c.898del (p.Leu300fs)

Genes: POMGNT1 (protein O-linked mannose N-acetylglucosaminyltransferase 1 (beta 1,2-); minus strand), TSPAN1 (tetraspanin 1; plus strand). Cytogenetic location: 1p34.1.
Variant type: Deletion.
Coding change: c.898del on transcript NM_017739.4 (MANE Select); coding-DNA position 898, one base deleted (C; older notation c.898delC).
Protein change: p.Leu300fs; shifts the reading frame from leucine 300.
Molecular consequence: frameshift variant.
Genome position (GRCh38, 1-based): chr1:46,193,907, G deleted on the plus strand (C on the coding strand, the reverse complement: POMGNT1 is on the minus strand); the first of 2 consecutive G bases (chr1:46,193,907-46,193,908); deleting either gives the same sequence. VCF-style (leftmost placement, unchanged base first): chr1-46193906-AG-A. GRCh37 (hg19) VCF-style: chr1-46659578-AG-A.
Other names: c.898del, p.Leu300fs (NM_001243766.2, NM_001410783.1, NM_001437653.1 and 3 more transcripts); c.832del, p.Leu278fs (NM_001290129.3, NM_001438691.1, NM_001438692.1); c.469del, p.Leu157fs (NM_001290130.2); short protein forms L157fs, L278fs, L300fs.
Identifiers: ClinVar variation 5013051 (VCV005013051.1).